The following is an entry in ClinVar:

NC_000011.10:g.47335898_47335908del

Gene: MYBPC3 (myosin binding protein C3; minus strand). Cytogenetic location: 11p11.2.
Variant type: Deletion.
Molecular consequence: frameshift variant (on NM_000256.3).
Genome position: GRCh38 VCF-style: chr11-47335894-TCCACGCTGTAG-T. GRCh37 (hg19) VCF-style: chr11-47357445-TCCACGCTGTAG-T.
Other names: c.2709_2719delCTACAGCGTGG (NM_000256.3); c.2709_2719del, p.Tyr904fs (NM_000256.3); c.2709_2719del11 (NM_000256.3); short protein forms Y904fs.
Identifiers: ClinVar variation 181084 (VCV000181084.26), dbSNP rs730880657, ClinGen allele CA012846.

ClinVar aggregate classification (germline): Pathogenic. Review status: criteria provided, multiple submitters, no conflicts (2 of 4 stars). 6 submissions from 6 submitters: Pathogenic (6). Last evaluated 2025-11-17.

Conditions:
Cardiovascular phenotype. Identifiers: MedGen CN230736.
Hypertrophic cardiomyopathy. Also called: HYPERTROPHIC MYOCARDIOPATHY. Identifiers: Orphanet 217569, MedGen C0007194, MeSH D002312, MONDO:0005045, HP:0001639.

Submissions (6):

Labcorp Genetics (formerly Invitae), Labcorp
Classification: Pathogenic for Hypertrophic cardiomyopathy. Last evaluated: 2025-11-17. Review status: criteria provided, single submitter. Criteria: Invitae Variant Classification Sherloc (09022015). Collection method: clinical testing. Allele origin: germline.
Comment: This sequence change creates a premature translational stop signal (p.Tyr904Valfs*143) in the MYBPC3 gene. It is expected to result in an absent or disrupted protein product. Loss-of-function variants in MYBPC3 are known to be pathogenic (PMID: 19574547). This variant is not present in population databases (gnomAD no frequency). This variant has not been reported in the literature in individuals affected with MYBPC3-related conditions. ClinVar contains an entry for this variant (Variation ID: 181084). For these reasons, this variant has been classified as Pathogenic.

All of Us Research Program, National Institutes of Health
Classification: Pathogenic for Hypertrophic cardiomyopathy. Last evaluated: 2024-07-29. Review status: criteria provided, single submitter. Criteria: ACMG Guidelines, 2015. Collection method: clinical testing. Allele origin: germline. Inheritance: Autosomal dominant inheritance. Observed: 1 variant allele, 1 heterozygote.
Comment: This variant deletes 11 nucleotides in exon 26 of the MYBPC3 gene, creating a frameshift and premature translation stop signal. This variant is expected to result in an absent or non-functional protein product. To our knowledge, this variant has not been reported in individuals affected with MYBPC3-related disorders in the literature. This variant has not been identified in the general population by the Genome Aggregation Database (gnomAD). Loss of MYBPC3 function is a known mechanism of disease. Based on the available evidence, this variant is classified as Pathogenic.

This study involves interpretation of variants in research participants for the purpose of population health screening. Participant phenotype was not available at the time of variant classification. Additional details can be found in publication PMID: 35346344, PMCID: PMC8962531

Ambry Genetics
Classification: Pathogenic for Cardiovascular phenotype. Last evaluated: 2022-12-28. Review status: criteria provided, single submitter. Criteria: Ambry Variant Classification Scheme 2023. Collection method: clinical testing. Allele origin: germline.
Comment: The c.2709_2719del11 pathogenic mutation, located in coding exon 26 of the MYBPC3 gene, results from a deletion of 11 nucleotides at nucleotide positions 2709 to 2719, causing a translational frameshift with a predicted alternate stop codon (p.Y904Vfs*143). This variant is considered to be rare based on population cohorts in the Genome Aggregation Database (gnomAD). This alteration is expected to result in loss of function by premature protein truncation or nonsense-mediated mRNA decay. As such, this alteration is interpreted as a disease-causing mutation.

GeneDx
Classification: Pathogenic. Last evaluated: 2021-12-20. Review status: criteria provided, single submitter. Criteria: GeneDx Variant Classification Process June 2021. Collection method: clinical testing. Allele origin: germline. Affected: yes.
Comment: Reported in one patient in the eMERGE III cohort (eMERGE Consortium, 2019); Not observed at significant frequency in large population cohorts (gnomAD); Frameshift variant predicted to result in protein truncation or nonsense mediated decay in a gene for which loss-of-function is a known mechanism of disease; Reported in ClinVar as pathogenic (ClinVar Variant ID# 181084; ClinVar); This variant is associated with the following publications: (PMID: 31447099, 26582918)

Laboratory for Molecular Medicine, Mass General Brigham Personalized Medicine
Classification: Pathogenic for Hypertrophic cardiomyopathy. Last evaluated: 2021-04-13. Review status: criteria provided, single submitter. Criteria: ACMG Guidelines, 2015. Collection method: clinical testing. Allele origin: germline.
Comment: The p.Tyr904ValfsX143 variant in MYBPC3 has been identified by our laboratory in two individuals with HCM, and was absent from large population studies. This variant has also been reported in ClinVar (Variation ID 181084). This variant is predicted to cause a frameshift, which alters the protein’s amino acid sequence beginning at position 904 and leads to a premature termination codon 143 amino acids downstream. This alteration is then predicted to lead to a truncated or absent protein. Heterozygous loss of function of the MYBPC3 gene is an established disease mechanism in individuals with HCM. In summary, this variant meets criteria to be classified as pathogenic for autosomal dominant HCM. ACMG/AMP criteria applied: PVS1, PM2_Supporting, PS4_Supporting.

ARUP Laboratories, Molecular Genetics and Genomics, ARUP Laboratories
Classification: Pathogenic. Last evaluated: 2020-06-02. Review status: criteria provided, single submitter. Criteria: ARUP Molecular Germline Variant Investigation Process. Collection method: clinical testing. Allele origin: germline.
Comment: The MYBPC3 c.2709_2719del; p.Tyr904fs variant (rs730880657), to our knowledge, is not reported in the medical literature but is reported as pathogenic in ClinVar (Variation ID: 181084). This variant is absent from general population databases (Exome Variant Server, Genome Aggregation Database), indicating it is not a common polymorphism. This variant causes a frameshift by deleting 11 nucleotides, so it is predicted to result in a truncated protein or mRNA subject to nonsense-mediated decay. Loss-of-function of MYBPC3 is an established mechanism of disease and downstream truncating variants are reported in individuals with hypertrophic cardiomyopathy (Waldmuller 2011, Zou 2013). Based on available information, the c.2709_2719del variant is considered to be pathogenic. References: Waldmuller S et al. Novel correlations between the genotype and the phenotype of hypertrophic and dilated cardiomyopathy: results from the German Competence Network Heart Failure. Eur J Heart Fail. 2011;13(11):1185-1192. Zou Y et al. Multiple gene mutations, not the type of mutation, are the modifier of left ventricle hypertrophy in patients with hypertrophic cardiomyopathy. Mol Biol Rep. 2013;40(6):3969-3976.

Literature cited by the submitters: PubMed 19574547 (cited by Labcorp Genetics (formerly Invitae), Labcorp).